The following is an entry in ClinVar:

NM_000092.5(COL4A4):c.1697-1G>A

Gene: COL4A4 (collagen type IV alpha 4 chain; minus strand). Cytogenetic location: 2q36.3.
Variant type: single nucleotide variant.
Coding change: c.1697-1G>A on transcript NM_000092.5 (MANE Select); the canonical splice acceptor site of the intron before coding-DNA position 1697, G replaced by A.
Molecular consequence: splice acceptor variant.
Genome position (GRCh38, 1-based): chr2:227,080,550, C>T on the plus strand (G>A on the coding strand, the complement: COL4A4 is on the minus strand). VCF-style: chr2-227080550-C-T. GRCh37 (hg19) VCF-style: chr2-227945266-C-T.
Identifiers: ClinVar variation 585526 (VCV000585526.6), dbSNP rs1559569975, ClinGen allele CA350847377.

ClinVar aggregate classification (germline): Pathogenic/Likely pathogenic. Review status: criteria provided, multiple submitters, no conflicts (2 of 4 stars). 5 submissions from 5 submitters: Pathogenic (1); Likely pathogenic (4). Last evaluated 2026-08-13.

Conditions:
Autosomal recessive Alport syndrome (ATS2). Also called: COL4A4 Alport Syndrome and Thin Basement Membrane Nephropathy; ALPORT SYNDROME 2, AUTOSOMAL RECESSIVE; Alport syndrome type 2; COL4A3-Related Nephropathy. Identifiers: Orphanet 63, Orphanet 88919, MedGen C4746745, MONDO:0008762, OMIM 203780.
Benign familial hematuria. Also called: thin basement membrane disease. Identifiers: MedGen C0241908, MONDO:0957317.
Alport syndrome. Also called: Hemorrhagic familial nephritis; Hemorrhagic hereditary nephritis; Congenital hereditary hematuria. Identifiers: Orphanet 63, MedGen C1567741, MONDO:0018965.

Allele frequency attached by ClinVar (database versions not stated): gnomAD exomes below 0.00001.
gnomAD v4.1: 2 of 1,613,046 alleles (0.00012%); highest among the groups gnomAD compares: Admixed American, 0.0033%; no homozygotes.

Submissions (5):

GeneDx
Classification: Likely pathogenic. Last evaluated: 2026-08-13. Review status: criteria provided, single submitter. Criteria: GeneDx Variant Classification Process June 2021. Collection method: clinical testing. Allele origin: germline.
Comment: Observed in a patient with microscopic hematuria in published literature (PMID: 35368817); Canonical splice site variant predicted to result in a null allele in a gene for which loss of function is a known mechanism of disease; Not observed at significant frequency in large population cohorts (gnomAD); This variant is associated with the following publications: (PMID: 35368817)

Labcorp Genetics (formerly Invitae), Labcorp
Classification: Pathogenic. Last evaluated: 2025-08-03. Review status: criteria provided, single submitter. Criteria: Invitae Variant Classification Sherloc (09022015). Collection method: clinical testing. Allele origin: germline.
Comment: This sequence change affects an acceptor splice site in intron 23 of the COL4A4 gene. It is expected to disrupt RNA splicing. Variants that disrupt the donor or acceptor splice site typically lead to a loss of protein function (PMID: 16199547), and loss-of-function variants in COL4A4 are known to be pathogenic (PMID: 21196518, 24854265, 25307543). This variant is not present in population databases (gnomAD no frequency). Disruption of this splice site has been observed in individual(s) with clinical features of COL4A4-related conditions (PMID: 11961012). It has also been observed to segregate with disease in related individuals. ClinVar contains an entry for this variant (Variation ID: 585526). Algorithms developed to predict the effect of sequence changes on RNA splicing suggest that this variant may disrupt the consensus splice site. For these reasons, this variant has been classified as Pathogenic.

Natera, Inc.
Classification: Likely pathogenic for Alport syndrome. Last evaluated: 2024-06-03. Review status: criteria provided, single submitter. Criteria: Natera Variant Classification Schema (03/2026). Collection method: clinical testing. Allele origin: germline.
Comment: The c.1697-1G>A variant in COL4A4 is a canonical splice acceptor site variant predicted to affect pre-mRNA splicing, which may result in an abnormal transcript and altered protein product. This variant is expected to result in nonsense mediated decay, truncation, or a dysfunctional protein product. This variant is rare in the general population with a frequency below the threshold expected for the associated phenotype(s). Given the available evidence, this variant is classified as Likely Pathogenic.

Fulgent Genetics
Classification: Likely pathogenic for Hematuria, benign familial, 1; Autosomal recessive Alport syndrome. Last evaluated: 2021-10-06. Review status: criteria provided, single submitter. Criteria: ACMG Guidelines, 2015. Collection method: clinical testing. Allele origin: unknown.

Athena Diagnostics
Classification: Likely pathogenic. Last evaluated: 2018-05-04. Review status: criteria provided, single submitter. Criteria: Athena Diagnostics Criteria. Collection method: clinical testing. Allele origin: germline.

Literature cited by the submitters: PubMed 16199547 (cited by Labcorp Genetics (formerly Invitae), Labcorp); PubMed 21196518 (cited by Labcorp Genetics (formerly Invitae), Labcorp); PubMed 24854265 (cited by Labcorp Genetics (formerly Invitae), Labcorp); PubMed 25307543 (cited by Labcorp Genetics (formerly Invitae), Labcorp); PubMed 11961012 (cited by Labcorp Genetics (formerly Invitae), Labcorp).